The following is an entry in ClinVar:

NM_004341.5(CAD):c.5599G>T (p.Glu1867Ter)

Gene: CAD (carbamoyl-phosphate synthetase 2, aspartate transcarbamylase, and dihydroorotase; plus strand). Cytogenetic location: 2p23.3.
Variant type: single nucleotide variant.
Coding change: c.5599G>T on transcript NM_004341.5 (MANE Select); coding-DNA position 5599, G replaced by T.
Protein change: p.Glu1867Ter; replaces glutamic acid 1867 with a stop codon.
Molecular consequence: nonsense.
Genome position (GRCh38, 1-based): chr2:27,240,916, G>T. VCF-style: chr2-27240916-G-T. GRCh37 (hg19) VCF-style: chr2-27463784-G-T.
Other names: c.5410G>T, p.Glu1804Ter (NM_001306079.2); short protein forms E1804*, E1867*.
Identifiers: ClinVar variation 2759556 (VCV002759556.3), dbSNP rs2465361141, ClinGen allele CA346223195.

ClinVar aggregate classification (germline): Pathogenic (1 of 4 stars; one submission).

Submission:

Labcorp Genetics (formerly Invitae), Labcorp
Classification: Pathogenic. Last evaluated: 2023-09-10. Review status: criteria provided, single submitter. Criteria: Invitae Variant Classification Sherloc (09022015). Collection method: clinical testing. Allele origin: germline.
Comment: This sequence change creates a premature translational stop signal (p.Glu1867*) in the CAD gene. It is expected to result in an absent or disrupted protein product. Loss-of-function variants in CAD are known to be pathogenic (PMID: 28007989, 32117025, 32820246, 33497533). This variant is not present in population databases (gnomAD no frequency). This variant has not been reported in the literature in individuals affected with CAD-related conditions. For these reasons, this variant has been classified as Pathogenic.

Literature cited by the submitters: PubMed 28007989; PubMed 32117025; PubMed 32820246; PubMed 33497533.